The following is an entry in ClinVar:

ClinVar aggregate classification (germline): Likely benign. Review status: criteria provided, multiple submitters, no conflicts (2 of 4 stars). 2 submissions from 2 submitters: Likely benign (2). Last evaluated 2023-12-13.

Conditions:
Malignant hyperthermia, susceptibility to, 1 (MHS1). Also called: RYR1-Related Malignant Hyperthermia Susceptibility; Malignant hyperthermia suceptibility 1; Anesthesia related hyperthermia; Malignant hyperpyrexia; Fulminating hyperpyrexia; Pharmacogenic myopathy. Identifiers: Orphanet 423, MedGen C2930980, MONDO:0007783, OMIM 145600.

gnomAD v4.1: 1 of 1,614,106 alleles (0.000062%); highest among the groups gnomAD compares: Non-Finnish European, 0.000085%; no homozygotes.

Submissions (2):

All of Us Research Program, National Institutes of Health
Classification: Likely benign for Malignant hyperthermia, susceptibility to, 1. Last evaluated: 2023-12-13. Review status: criteria provided, single submitter. Criteria: ACMG Guidelines, 2015. Collection method: clinical testing. Allele origin: germline. Inheritance: Autosomal dominant inheritance. Observed: 1 variant allele, 1 heterozygote.
Comment: This study involves interpretation of variants in research participants for the purpose of population health screening. Participant phenotype was not available at the time of variant classification. Additional details can be found in publication PMID: 35346344, PMCID: PMC8962531

Labcorp Genetics (formerly Invitae), Labcorp
Classification: Likely benign. Last evaluated: 2018-12-10. Review status: criteria provided, single submitter. Criteria: Invitae Variant Classification Sherloc (09022015). Collection method: clinical testing. Allele origin: germline.

NM_000540.3(RYR1):c.7386C>G (p.Pro2462=)

Gene: RYR1 (ryanodine receptor 1; plus strand). Cytogenetic location: 19q13.2.
Variant type: single nucleotide variant.
Coding change: c.7386C>G on transcript NM_000540.3 (MANE Select); coding-DNA position 7386, C replaced by G.
Protein change: p.Pro2462=; no amino-acid change (proline 2462 retained).
Molecular consequence: synonymous variant.
Genome position (GRCh38, 1-based): chr19:38,500,668, C>G. VCF-style: chr19-38500668-C-G. GRCh37 (hg19) VCF-style: chr19-38991308-C-G.
Other names: c.7386C>G, p.Pro2462= (NM_001042723.2).
Identifiers: ClinVar variation 795689 (VCV000795689.4), dbSNP rs751448656, ClinGen allele CA507353954.